The following is an entry in ClinVar:

NM_005902.4(SMAD3):c.1009+5A>C

Gene: SMAD3 (SMAD family member 3; plus strand). Cytogenetic location: 15q22.33.
Variant type: single nucleotide variant.
Coding change: c.1009+5A>C on transcript NM_005902.4 (MANE Select); 5 bases into the intron after coding-DNA position 1009, A replaced by C.
Molecular consequence: intron variant.
Genome position (GRCh38, 1-based): chr15:67,184,869, A>C. VCF-style: chr15-67184869-A-C. GRCh37 (hg19) VCF-style: chr15-67477207-A-C.
Other names: c.694+5A>C (NM_001145102.2); c.877+5A>C (NM_001145103.2); c.424+5A>C (NM_001145104.2).
Identifiers: ClinVar variation 264568 (VCV000264568.11), dbSNP rs772995932, ClinGen allele CA061505.

ClinVar aggregate classification (germline): Conflicting classifications of pathogenicity. Review status: criteria provided, conflicting classifications (1 of 4 stars). 3 submissions from 3 submitters: Uncertain significance (2); Likely benign (1). Last evaluated 2023-03-21.

Conditions:
Familial thoracic aortic aneurysm and aortic dissection (TAAD). Also called: Thoracic aortic aneurysms and dissections. Identifiers: Orphanet 91387, MedGen C4707243, MONDO:0019625.

Allele frequency attached by ClinVar (database versions not stated): gnomAD 0.00001; ExAC 0.00002; gnomAD exomes 0.00005 and 0.00001.
gnomAD v4.1: 67 of 1,612,350 alleles (0.0042%); highest among the groups gnomAD compares: Non-Finnish European, 0.0057%; no homozygotes.

Submissions (3):

Labcorp Genetics (formerly Invitae), Labcorp
Classification: Uncertain significance for Familial thoracic aortic aneurysm and aortic dissection. Last evaluated: 2023-03-21. Review status: criteria provided, single submitter. Criteria: Invitae Variant Classification Sherloc (09022015). Collection method: clinical testing. Allele origin: germline.
Comment: In summary, the available evidence is currently insufficient to determine the role of this variant in disease. Therefore, it has been classified as a Variant of Uncertain Significance. This sequence change falls in intron 7 of the SMAD3 gene. It does not directly change the encoded amino acid sequence of the SMAD3 protein. It affects a nucleotide within the consensus splice site. This variant is present in population databases (rs772995932, gnomAD 0.002%). This variant has not been reported in the literature in individuals affected with SMAD3-related conditions. ClinVar contains an entry for this variant (Variation ID: 264568). Variants that disrupt the consensus splice site are a relatively common cause of aberrant splicing (PMID: 17576681, 9536098). Algorithms developed to predict the effect of sequence changes on RNA splicing suggest that this variant is not likely to affect RNA splicing.

Ambry Genetics
Classification: Uncertain significance for Familial thoracic aortic aneurysm and aortic dissection. Last evaluated: 2022-03-09. Review status: criteria provided, single submitter. Criteria: Ambry Variant Classification Scheme 2023. Collection method: clinical testing. Allele origin: germline.
Comment: The c.1009+5A>C intronic variant results from an A to C substitution 5 nucleotides after coding exon 7 in the SMAD3 gene. This nucleotide position is poorly conserved on very limited sequence alignment. In silico splice site analysis predicts that this alteration will not have any significant effect on splicing. Since supporting evidence is limited at this time, the clinical significance of this alteration remains unclear.

Color Diagnostics, LLC DBA Color Health
Classification: Likely benign for Familial thoracic aortic aneurysm and aortic dissection. Last evaluated: 2019-03-22. Review status: criteria provided, single submitter. Criteria: ACMG Guidelines, 2015. Collection method: clinical testing. Allele origin: germline.

Literature cited by the submitters: PubMed 17576681 (cited by Labcorp Genetics (formerly Invitae), Labcorp); PubMed 9536098 (cited by Labcorp Genetics (formerly Invitae), Labcorp).